The following is an entry in ClinVar:

NC_000006.12:g.70255204dup

Gene: COL9A1 (collagen type IX alpha 1 chain; minus strand). Cytogenetic location: 6q13.
Variant type: Duplication.
Genome position: GRCh38 VCF-style: chr6-70255199-G-GC. GRCh37 (hg19) VCF-style: chr6-70964902-G-GC.
Identifiers: ClinVar variation 1453155 (VCV001453155.6), dbSNP rs2127576931, ClinGen allele CA2573141086.

ClinVar aggregate classification (germline): Pathogenic (1 of 4 stars; one submission).

Submission:

Labcorp Genetics (formerly Invitae), Labcorp
Classification: Pathogenic. Last evaluated: 2024-10-22. Review status: criteria provided, single submitter. Criteria: Invitae Variant Classification Sherloc (09022015). Collection method: clinical testing. Allele origin: germline.
Comment: This sequence change creates a premature translational stop signal (p.Ala521Glyfs*2) in the COL9A1 gene. It is expected to result in an absent or disrupted protein product. Loss-of-function variants in COL9A1 are known to be pathogenic (PMID: 16909383, 21421862). This variant is not present in population databases (gnomAD no frequency). This variant has not been reported in the literature in individuals affected with COL9A1-related conditions. ClinVar contains an entry for this variant (Variation ID: 1453155). For these reasons, this variant has been classified as Pathogenic.

Literature cited by the submitters: PubMed 16909383; PubMed 21421862.